The following is an entry in ClinVar:

NM_001374353.1(GLI2):c.2033C>T (p.Thr678Met)

Gene: GLI2 (GLI family zinc finger 2; plus strand). Cytogenetic location: 2q14.2.
Variant type: single nucleotide variant.
Coding change: c.2033C>T on transcript NM_001374353.1 (MANE Select); coding-DNA position 2033, C replaced by T.
Protein change: p.Thr678Met; replaces threonine 678 with methionine.
Molecular consequence: missense variant.
Genome position (GRCh38, 1-based): chr2:120,986,405, C>T. VCF-style: chr2-120986405-C-T. GRCh37 (hg19) VCF-style: chr2-121743981-C-T.
Other names: c.2084C>T, p.Thr695Met (NM_001371271.1, NM_005270.5); c.1658C>T, p.Thr553Met (NM_001374354.1); short protein forms T678M, T553M, T695M.
Identifiers: ClinVar variation 2928225 (VCV002928225.3), dbSNP rs150858529, ClinGen allele CA1852116.
Genomic context (GRCh38, chr2:120,986,405, plus strand): 5'-CCAACAATGACAGTGGCGTGGAGATGCCGGGGACGGGGCCCGGGAGCCTGGGAGACCTGA[C>T]GGCACTGGATGACACACCCCCAGGGGCCGACACCTCAGCCCTGGCTGCCCCCTCCGCTGG-3'
Protein context (NP_001361282.1, residues 668-688): GTGPGSLGDL[Thr678Met]ALDDTPPGAD

ClinVar aggregate classification (germline): Uncertain significance (1 of 4 stars; one submission).

Conditions:
Holoprosencephaly 9 (HPE9). Also called: HOLOPROSENCEPHALY WITH MICROPHTHALMIA AND FIRST BRANCHIAL ARCH ANOMALIES; PITUITARY ANOMALIES WITH HOLOPROSENCEPHALY-LIKE FEATURES. Identifiers: Orphanet 2162, MedGen C1835819, MONDO:0012563, OMIM 610829.
Postaxial polydactyly-anterior pituitary anomalies-facial dysmorphism syndrome. Also called: Culler-Jones syndrome. Identifiers: Orphanet 420584, MedGen C4014479, MONDO:0014369, OMIM 615849.

Allele frequency attached by ClinVar (database versions not stated): gnomAD 0.00001; ExAC 0.00002; gnomAD exomes 0.00002.

Submission:

Labcorp Genetics (formerly Invitae), Labcorp
Classification: Uncertain significance for Postaxial polydactyly-anterior pituitary anomalies-facial dysmorphism syndrome; Holoprosencephaly 9. Last evaluated: 2023-04-06. Review status: criteria provided, single submitter. Criteria: Invitae Variant Classification Sherloc (09022015). Collection method: clinical testing. Allele origin: germline.
Comment: In summary, the available evidence is currently insufficient to determine the role of this variant in disease. Therefore, it has been classified as a Variant of Uncertain Significance. Advanced modeling of protein sequence and biophysical properties (such as structural, functional, and spatial information, amino acid conservation, physicochemical variation, residue mobility, and thermodynamic stability) performed at Invitae indicates that this missense variant is expected to disrupt GLI2 protein function. This variant has not been reported in the literature in individuals affected with GLI2-related conditions. This variant is present in population databases (rs150858529, gnomAD 0.008%). This sequence change replaces threonine, which is neutral and polar, with methionine, which is neutral and non-polar, at codon 695 of the GLI2 protein (p.Thr695Met).